The following is an entry in ClinVar:

ClinVar aggregate classification (germline): Likely pathogenic (1 of 4 stars; one submission).

Conditions:
Agenesis of the corpus callosum with peripheral neuropathy (ACCPN). Also called: CHARLEVOIX DISEASE; HMSN/ACC; Hereditary Motor and Sensory Neuropathy with Agenesis of the Corpus Callosum; POLYNEUROPATHY, SENSORIMOTOR, WITH OR WITHOUT AGENESIS OF THE CORPUS CALLOSUM. Identifiers: Orphanet 1496, MedGen C0795950, MONDO:0000902, OMIM 218000. Disease mechanism: loss of function.

Submission:

Natera, Inc.
Classification: Likely pathogenic for Andermann syndrome. Last evaluated: 2025-06-01. Review status: criteria provided, single submitter. Criteria: Natera Variant Classification Schema (03/2026). Collection method: clinical testing. Allele origin: germline.
Comment: The c.1825-2A>C variant in SLC12A6 is a canonical splice acceptor site variant predicted to affect pre-mRNA splicing, which may result in an abnormal transcript and altered protein product. This variant is expected to result in nonsense mediated decay, truncation, or a dysfunctional protein product. This variant is rare in the general population with a frequency below the threshold expected for the associated phenotype(s). Given the available evidence, this variant is classified as Likely Pathogenic.

NM_001365088.1(SLC12A6):c.1825-2A>C

Gene: SLC12A6 (solute carrier family 12 member 6; minus strand). Cytogenetic location: 15q14.
Variant type: single nucleotide variant.
Coding change: c.1825-2A>C on transcript NM_001365088.1 (MANE Select); the canonical splice acceptor site of the intron before coding-DNA position 1825, A replaced by C.
Molecular consequence: splice acceptor variant.
Genome position (GRCh38, 1-based): chr15:34,245,405, T>G on the plus strand (A>C on the coding strand, the complement: SLC12A6 is on the minus strand). VCF-style: chr15-34245405-T-G. GRCh37 (hg19) VCF-style: chr15-34537606-T-G.
Other names: c.1648-2A>C (NM_001042495.2, NM_001042494.2); c.1798-2A>C (NM_001042496.2); c.1780-2A>C (NM_001042497.2); c.1825-2A>C (NM_133647.2); c.1672-2A>C (NM_005135.2).
Identifiers: ClinVar variation 4816515 (VCV004816515.1).